The following is an entry in ClinVar:

ClinVar aggregate classification (germline): Uncertain significance (1 of 4 stars; one submission).

Conditions:
Hereditary cancer-predisposing syndrome. Also called: Hereditary Cancer Syndrome; Tumor predisposition; Hereditary neoplastic syndrome; Neoplastic Syndromes, Hereditary. Identifiers: Orphanet 140162, MedGen C0027672, MeSH D009386, MONDO:0015356.

Submission:

Ambry Genetics
Classification: Uncertain significance for Hereditary cancer-predisposing syndrome. Last evaluated: 2024-05-23. Review status: criteria provided, single submitter. Criteria: Ambry Variant Classification Scheme 2023. Collection method: clinical testing. Allele origin: germline.
Comment: The p.R61G variant (also known as c.181A>G), located in coding exon 1 of the CDK4 gene, results from an A to G substitution at nucleotide position 181. The arginine at codon 61 is replaced by glycine, an amino acid with dissimilar properties. This amino acid position is conserved. In addition, the in silico prediction for this alteration is inconclusive. Based on the available evidence, the clinical significance of this variant remains unclear.

NM_000075.4(CDK4):c.181A>G (p.Arg61Gly)

Genes: CDK4 (cyclin dependent kinase 4; minus strand), LOC130008148 (ATAC-STARR-seq lymphoblastoid silent region 4588; plus strand). Cytogenetic location: 12q14.1.
Variant type: single nucleotide variant.
Coding change: c.181A>G on transcript NM_000075.4 (MANE Select); coding-DNA position 181, A replaced by G.
Protein change: p.Arg61Gly; replaces arginine 61 with glycine.
Molecular consequence: missense variant.
Genome position (GRCh38, 1-based): chr12:57,751,537, T>C on the plus strand (A>G on the coding strand, the complement: CDK4 is on the minus strand). VCF-style: chr12-57751537-T-C. GRCh37 (hg19) VCF-style: chr12-58145320-T-C.
Other names: short protein forms R61G.
Identifiers: ClinVar variation 3265474 (VCV003265474.1).